The following is an entry in ClinVar:

ClinVar aggregate classification (germline): Pathogenic/Likely pathogenic. Review status: criteria provided, multiple submitters, no conflicts (2 of 4 stars). 2 submissions from 2 submitters: Pathogenic (1); Likely pathogenic (1). Last evaluated 2026-01-14.

Conditions:
Metaphyseal chondrodysplasia, McKusick type (CHH). Also called: Cartilage-Hair Hypoplasia (CHH); Cartilage-hair hypoplasia. Identifiers: Orphanet 175, MedGen C0220748, MONDO:0009595, OMIM 250250.
Anauxetic dysplasia. Identifiers: Orphanet 93347, MedGen C1846796, MONDO:0011773.

Submissions (2):

Natera, Inc.
Classification: Likely pathogenic for Cartilage-hair hypoplasia. Last evaluated: 2026-01-14. Review status: criteria provided, single submitter. Criteria: Natera Variant Classification Schema (03/2026). Collection method: clinical testing. Allele origin: germline.
Comment: The n.-20_-12dupCTCTGTGAA variant in RMRP is a duplication affecting the RMRP promoter region between the TATA box and the transcription initiation site. Other duplications and insertions just upstream of the transcription initiation site have been reported in individuals affected with cartilage-hair hypoplasia (PMID: 11207361, 17937437). This variant is rare in the general population with a frequency below the threshold expected for the associated phenotype(s). Given the available evidence, this variant is classified as Likely Pathogenic.

Labcorp Genetics (formerly Invitae), Labcorp
Classification: Pathogenic for Anauxetic dysplasia. Last evaluated: 2024-06-13. Review status: criteria provided, single submitter. Criteria: Invitae Variant Classification Sherloc (09022015). Collection method: clinical testing. Allele origin: germline.
Comment: This variant occurs in the RMRP gene, which encodes an RNA molecule that does not result in a protein product. This variant is not present in population databases (gnomAD no frequency). While this particular variant has not been reported in the literature, it is located in the promoter region between the TATA box and the transcription initiation site, and other insertions and duplications immediately upstream of the coding sequence have been reported in individuals affected with cartilage-hair hypoplasia-anauxetic dysplasia (CHH-AD) spectrum disorders (PMID: 16244706, 11207361, 12107819). ClinVar contains an entry for this variant (Variation ID: 1066998). While functional studies for this variant have not been reported, experimental analyses using patient derived cells, as well as in vitro transfection studies, have shown that promoter insertions result in silencing of RMRP transcription and reduced expression of the gene product (PMID: 11207361, 16254002). For these reasons, this variant has been classified as Pathogenic.

Literature cited by the submitters: PubMed 11207361 (cited by Natera, Inc. and Labcorp Genetics (formerly Invitae), Labcorp); PubMed 17937437 (cited by Natera, Inc.); PubMed 16244706 (cited by Labcorp Genetics (formerly Invitae), Labcorp); PubMed 12107819 (cited by Labcorp Genetics (formerly Invitae), Labcorp); PubMed 16254002 (cited by Labcorp Genetics (formerly Invitae), Labcorp).

NR_003051.3(RMRP):n.-20_-12dupCTCTGTGAA

Gene: RMRP (RNA component of mitochondrial RNA processing endoribonuclease; minus strand). Cytogenetic location: 9p13.3.
Variant type: Duplication.
Genome position: GRCh38 VCF-style: chr9-35658029-C-CTTCACAGAG. GRCh37 (hg19) VCF-style: chr9-35658026-C-CTTCACAGAG.
Identifiers: ClinVar variation 1066998 (VCV001066998.8), dbSNP rs1554651503, ClinGen allele CA863578826.